The following is an entry in ClinVar:

ClinVar aggregate classification (germline): Likely benign (1 of 4 stars; one submission).

Allele frequency attached by ClinVar (database versions not stated): 1000 Genomes Project 0.00120; 1000 Genomes Project 30x 0.00219.
gnomAD v4.1: 8,073 of 1,208,102 alleles (0.67%); highest among the groups gnomAD compares: Non-Finnish European, 0.77%; 38 homozygotes.

Submission:

CeGaT Center for Human Genetics Tuebingen
Classification: Likely benign. Last evaluated: 2023-01-01. Review status: criteria provided, single submitter. Criteria: CeGaT Center For Human Genetics Tuebingen Variant Classification Criteria Version 2. Collection method: clinical testing. Allele origin: germline. Affected: yes. Observed: 1 variant allele.
Comment: CSMD2: BP4, BP7, BS2

NM_001281956.2(CSMD2):c.93C>G (p.Gly31=)

Gene: CSMD2 (CUB and Sushi multiple domains 2; minus strand). Cytogenetic location: 1p35.1.
Variant type: single nucleotide variant.
Coding change: c.93C>G on transcript NM_001281956.2 (MANE Select); coding-DNA position 93, C replaced by G.
Protein change: p.Gly31=; no amino-acid change (glycine 31 retained).
Molecular consequence: synonymous variant. On other transcripts: intron variant (1).
Genome position (GRCh38, 1-based): chr1:34,165,005, G>C on the plus strand (C>G on the coding strand, the complement: CSMD2 is on the minus strand). VCF-style: chr1-34165005-G-C. GRCh37 (hg19) VCF-style: chr1-34630606-G-C.
Other names: c.67+742C>G (NM_052896.5).
Identifiers: ClinVar variation 2638638 (VCV002638638.24), dbSNP rs528265261, ClinGen allele CA753689.